The following is an entry in ClinVar:

NM_003737.4(DCHS1):c.2668A>G (p.Asn890Asp)

Gene: DCHS1 (dachsous cadherin-related 1; minus strand). Cytogenetic location: 11p15.4.
Variant type: single nucleotide variant.
Coding change: c.2668A>G on transcript NM_003737.4 (MANE Select); coding-DNA position 2668, A replaced by G.
Protein change: p.Asn890Asp; replaces asparagine 890 with aspartic acid.
Molecular consequence: missense variant.
Genome position (GRCh38, 1-based): chr11:6,632,844, T>C on the plus strand (A>G on the coding strand, the complement: DCHS1 is on the minus strand). VCF-style: chr11-6632844-T-C. GRCh37 (hg19) VCF-style: chr11-6654075-T-C.
Other names: c.2668A>G (NM_003737.2); short protein forms N890D.
Identifiers: ClinVar variation 1211912 (VCV001211912.12), dbSNP rs201782946, ClinGen allele CA5860682.

ClinVar aggregate classification (germline): Uncertain significance. Review status: criteria provided, multiple submitters, no conflicts (2 of 4 stars). 3 submissions from 3 submitters: Uncertain significance (3). Last evaluated 2025-08-01.

Conditions:
Inborn genetic diseases. Identifiers: MedGen C0950123, MeSH D030342.

Allele frequency attached by ClinVar (database versions not stated): ExAC 0.00004; gnomAD exomes 0.00008 and 0.00026; TOPMed 0.00008; gnomAD 0.00009.
gnomAD v4.1: 385 of 1,613,786 alleles (0.024%); highest among the groups gnomAD compares: Non-Finnish European, 0.032%; no homozygotes.

Submissions (3):

Labcorp Genetics (formerly Invitae), Labcorp
Classification: Uncertain significance. Last evaluated: 2025-08-01. Review status: criteria provided, single submitter. Criteria: Invitae Variant Classification Sherloc (09022015). Collection method: clinical testing. Allele origin: germline.
Comment: This sequence change replaces asparagine, which is neutral and polar, with aspartic acid, which is acidic and polar, at codon 890 of the DCHS1 protein (p.Asn890Asp). This variant is present in population databases (rs201782946, gnomAD 0.02%). This variant has not been reported in the literature in individuals affected with DCHS1-related conditions. ClinVar contains an entry for this variant (Variation ID: 1211912). Invitae Evidence Modeling of protein sequence and biophysical properties (such as structural, functional, and spatial information, amino acid conservation, physicochemical variation, residue mobility, and thermodynamic stability) has been performed for this missense variant. However, the output from this modeling did not meet the statistical confidence thresholds required to predict the impact of this variant on DCHS1 protein function. In summary, the available evidence is currently insufficient to determine the role of this variant in disease. Therefore, it has been classified as a Variant of Uncertain Significance.

Ambry Genetics
Classification: Uncertain significance for Inborn genetic diseases. Last evaluated: 2025-07-03. Review status: criteria provided, single submitter. Criteria: Ambry Variant Classification Scheme 2023. Collection method: clinical testing. Allele origin: germline.

GeneDx
Classification: Uncertain significance. Last evaluated: 2022-11-10. Review status: criteria provided, single submitter. Criteria: GeneDx Variant Classification Process June 2021. Collection method: clinical testing. Allele origin: germline. Affected: yes.
Comment: In silico analysis, which includes protein predictors and evolutionary conservation, supports a deleterious effect; Has not been previously published as pathogenic or benign to our knowledge